The following is an entry in ClinVar:

ClinVar aggregate classification (germline): Uncertain significance (1 of 4 stars; one submission).

Allele frequency attached by ClinVar (database versions not stated): TOPMed below 0.00001; gnomAD 0.00001; gnomAD exomes 0.00001.

Submission:

Labcorp Genetics (formerly Invitae), Labcorp
Classification: Uncertain significance. Last evaluated: 2024-05-17. Review status: criteria provided, single submitter. Criteria: Invitae Variant Classification Sherloc (09022015). Collection method: clinical testing. Allele origin: germline.
Comment: This sequence change replaces arginine, which is basic and polar, with histidine, which is basic and polar, at codon 196 of the DCHS1 protein (p.Arg196His). This variant is not present in population databases (gnomAD no frequency). This variant has not been reported in the literature in individuals affected with DCHS1-related conditions. Advanced modeling of protein sequence and biophysical properties (such as structural, functional, and spatial information, amino acid conservation, physicochemical variation, residue mobility, and thermodynamic stability) performed at Invitae indicates that this missense variant is not expected to disrupt DCHS1 protein function with a negative predictive value of 95%. In summary, the available evidence is currently insufficient to determine the role of this variant in disease. Therefore, it has been classified as a Variant of Uncertain Significance.

NM_003737.4(DCHS1):c.587G>A (p.Arg196His)

Gene: DCHS1 (dachsous cadherin-related 1; minus strand). Cytogenetic location: 11p15.4.
Variant type: single nucleotide variant.
Coding change: c.587G>A on transcript NM_003737.4 (MANE Select); coding-DNA position 587, G replaced by A.
Protein change: p.Arg196His; replaces arginine 196 with histidine.
Molecular consequence: missense variant.
Genome position (GRCh38, 1-based): chr11:6,641,027, C>T on the plus strand (G>A on the coding strand, the complement: DCHS1 is on the minus strand). VCF-style: chr11-6641027-C-T. GRCh37 (hg19) VCF-style: chr11-6662258-C-T.
Other names: short protein forms R196H.
Identifiers: ClinVar variation 2988684 (VCV002988684.3), dbSNP rs946492228, ClinGen allele CA217303485.
Genomic context (GRCh38, chr11:6,641,027, plus strand): 5'-TCTCGGTCCAGTTCCCCAGTAACTACCAGCTCAGGTACTGGAGTCCCATCTGGACCGGGG[C>T]GTGTCTCCAGCCGGAAGGTCTCTCCAGCCCCATCACCAGATAGCGCATAGCCCTGGGTTC-3'
Protein context (NP_003728.1, residues 186-206): GAGETFRLET[Arg196His]PGPDGTPVPE